The following is an entry in ClinVar:

ClinVar aggregate classification (germline): Benign (1 of 4 stars; one submission).

Allele frequency attached by ClinVar (database versions not stated): 1000 Genomes Project 30x 0.00172; 1000 Genomes Project 0.00180; gnomAD 0.00451; TOPMed 0.00507.
gnomAD v4.1: 709 of 152,314 alleles (0.47%); highest among the groups gnomAD compares: Admixed American, 0.71%; 1 homozygote.

Submission:

CeGaT Center for Human Genetics Tuebingen
Classification: Benign. Last evaluated: 2022-06-01. Review status: criteria provided, single submitter. Criteria: CeGaT Center For Human Genetics Tuebingen Variant Classification Criteria Version 2. Collection method: clinical testing. Allele origin: germline. Affected: yes. Observed: 1 variant allele.
Comment: PKD1: BS1, BS2

NM_001009944.3(PKD1):c.216-4590G>A

Gene: PKD1 (polycystin 1, transient receptor potential channel interacting; minus strand). Cytogenetic location: 16p13.3.
Variant type: single nucleotide variant.
Coding change: c.216-4590G>A on transcript NM_001009944.3 (MANE Select); 4590 bases into the intron before coding-DNA position 216, G replaced by A.
Molecular consequence: intron variant.
Genome position (GRCh38, 1-based): chr16:2,123,968, C>T on the plus strand (G>A on the coding strand, the complement: PKD1 is on the minus strand). VCF-style: chr16-2123968-C-T. GRCh37 (hg19) VCF-style: chr16-2173969-C-T.
Other names: c.216-4590G>A (NM_000296.4).
Identifiers: ClinVar variation 2646036 (VCV002646036.24), dbSNP rs573774849, ClinGen allele CA276785231.